The following is an entry in ClinVar:

ClinVar aggregate classification (germline): Conflicting classifications of pathogenicity. Review status: criteria provided, conflicting classifications (1 of 4 stars). 7 submissions from 7 submitters: Uncertain significance (5); Likely benign (2). Last evaluated 2026-06-17.

Conditions:
RP2-related disorder. Also called: RP2-related condition.
Retinal dystrophy. Also called: Inherited retinal dystrophy. Identifiers: Orphanet 71862, MedGen C0854723, MeSH D058499, MONDO:0019118, HP:0000556.
Retinitis pigmentosa 2 (RP2). Also called: Retinitis pigmentosa 2, X linked. Identifiers: Orphanet 791, MedGen C2681923, MONDO:0010723, OMIM 312600.

Allele frequency attached by ClinVar (database versions not stated): ExAC below 0.00001; gnomAD 0.00005; TOPMed 0.00005; gnomAD exomes 0.00006.
gnomAD v4.1: 108 of 1,166,907 alleles (0.0093%); highest among the groups gnomAD compares: Middle Eastern, 0.023%; no homozygotes.

Submissions (7):

PreventionGenetics, part of Exact Sciences
Classification: Uncertain significance for RP2-related condition. Last evaluated: 2026-06-17. Review status: criteria provided, single submitter. Criteria: ACMG Guidelines, 2015. Collection method: clinical testing. Allele origin: germline.
Comment: The RP2 c.8G>C variant is predicted to result in the amino acid substitution p.Cys3Ser. This variant was reported in an individual with retinitis pigmentosa (Jayasundera et al. 2010. PubMed ID: 20625056), but another study indicated that this variant did not have a significant impact on protein levels (Liu et al. 2017. PubMed ID: 28209709). Additionally, this variant is reported in 0.021% of alleles in individuals of South Asian descent in gnomAD, including ~30 hemizygotes in the newest version of the database (v4.1). Although we suspect that this variant may be benign, at this time, the clinical significance of this variant is uncertain due to the absence of conclusive functional and genetic evidence.

Labcorp Genetics (formerly Invitae), Labcorp
Classification: Likely benign. Last evaluated: 2025-12-07. Review status: criteria provided, single submitter. Criteria: Invitae Variant Classification Sherloc (09022015). Collection method: clinical testing. Allele origin: germline.

GeneDx
Classification: Uncertain significance. Last evaluated: 2025-09-30. Review status: criteria provided, single submitter. Criteria: GeneDx Variant Classification Process June 2021. Collection method: clinical testing. Allele origin: germline. Affected: yes.
Comment: In silico analysis supports that this missense variant has a deleterious effect on protein structure/function; This variant is associated with the following publications: (PMID: 34426522, 20729296, 28209709, 20106869, 12037013, 22072390, 34906488, 23150612, 10942419, 20625056)

Blueprint Genetics
Classification: Likely benign. Last evaluated: 2024-10-16. Review status: criteria provided, single submitter. Criteria: ACMG Guidelines, 2015. Collection method: clinical testing. Allele origin: germline.

CeGaT Center for Human Genetics Tuebingen
Classification: Uncertain significance. Last evaluated: 2022-11-01. Review status: criteria provided, single submitter. Criteria: CeGaT Center For Human Genetics Tuebingen Variant Classification Criteria Version 2. Collection method: clinical testing. Allele origin: germline. Affected: yes. Observed: 1 variant allele.
Comment: RP2: PS4:Moderate, PP4, PS3:Supporting

Victorian Clinical Genetics Services, Murdoch Childrens Research Institute
Classification: Uncertain significance for Retinitis pigmentosa 2. Last evaluated: 2022-06-24. Review status: criteria provided, single submitter. Criteria: ACMG Guidelines, 2015. Collection method: clinical testing. Allele origin: germline. Inheritance: X-linked inheritance.
Comment: Based on the classification scheme VCGS_Germline_v1.3.4, this variant is classified as VUS-3A. The following criteria are met: 0102 - Loss of function is a known mechanism of disease in this gene and is associated with retinitis pigmentosa 2 (MIM# 312600). (I) 0109 - This gene is associated with X-linked recessive disease. (I) 0200 - Variant is predicted to result in a missense amino acid change from cysteine to serine. (I) 0251 - This variant is heterozygous. (I) 0304 - Variant is present in gnomAD <0.01 for a recessive condition (v2) (4 heterozygotes, 0 homozygotes, 3 hemizygotes). (SP) 0501 - Missense variant consistently predicted to be damaging by multiple in silico tools or highly conserved with a major amino acid change. (SP) 0601 - Variant is located in the N-terminal consensus myristoylation and palmitoylation motif where the cysteine-3 amino acid represents the site of palmitoylation (PMID 10942419, 12037013, Uniprot). (SP) 0803 - This variant has limited previous evidence of pathogenicity. This variant has previously been reported as likely pathogenic (ClinVar) and in a patient with X-linked retinitis pigmentosa (PMIDs: 20625056, 23150612). However, this patient underwent exome sequencing at the laboratory who submitted the ClinVar entry; therefore it is unclear if this is an additional patient (PMID: 34906488). (SP) 0905 - No published segregation evidence has been identified for this variant. (I) 1002 - This variant has moderate functional evidence supporting abnormal protein function where this variant was shown to result in protein mislocalization (PMIDs: 10942419, 12037013, 22072390, 28209709, 20729296, 20106869). (SP) 0705 - No comparable missense variants have previous evidence for pathogenicity. (I) Legend: (SP) - Supporting pathogenic, (I) - Information, (SB) - Supporting benign

Institute of Human Genetics, Univ. Regensburg, Univ. Regensburg
Classification: Uncertain significance for Retinal dystrophy. Last evaluated: 2019-01-01. Review status: criteria provided, single submitter. Criteria: ACMG Guidelines, 2015. Collection method: clinical testing. Allele origin: germline. Affected: yes.

Literature cited by the submitters: PubMed 10942419 (cited by Victorian Clinical Genetics Services, Murdoch Childrens Research Institute); PubMed 12037013 (cited by Victorian Clinical Genetics Services, Murdoch Childrens Research Institute); PubMed 20106869 (cited by Victorian Clinical Genetics Services, Murdoch Childrens Research Institute); PubMed 20729296 (cited by Victorian Clinical Genetics Services, Murdoch Childrens Research Institute); PubMed 22072390 (cited by Victorian Clinical Genetics Services, Murdoch Childrens Research Institute); PubMed 28209709 (cited by Victorian Clinical Genetics Services, Murdoch Childrens Research Institute and Institute of Human Genetics, Univ. Regensburg, Univ. Regensburg); PubMed 34906488 (cited by Victorian Clinical Genetics Services, Murdoch Childrens Research Institute); PubMed 20625056 (cited by Institute of Human Genetics, Univ. Regensburg, Univ. Regensburg); PubMed 34426522 (cited by Institute of Human Genetics, Univ. Regensburg, Univ. Regensburg).

NM_006915.3(RP2):c.8G>C (p.Cys3Ser)

Genes: RP2 (RP2 activator of ARL3 GTPase; plus strand), LOC130068202 (ATAC-STARR-seq lymphoblastoid active region 29577; plus strand). Cytogenetic location: Xp11.3.
Variant type: single nucleotide variant.
Coding change: c.8G>C on transcript NM_006915.3 (MANE Select); coding-DNA position 8, G replaced by C.
Protein change: p.Cys3Ser; replaces cysteine 3 with serine.
Molecular consequence: missense variant.
Genome position (GRCh38, 1-based): chrX:46,837,108, G>C. VCF-style: chrX-46837108-G-C. GRCh37 (hg19) VCF-style: chrX-46696543-G-C.
Other names: short protein forms C3S.
Identifiers: ClinVar variation 418458 (VCV000418458.42), dbSNP rs782344765, ClinGen allele CA10394159.